The following is an entry in ClinVar:

ClinVar aggregate classification (germline): Likely pathogenic (1 of 4 stars; one submission).

Conditions:
PMM2-congenital disorder of glycosylation. Also called: CDG Ia; PMM2-CDG; JAEKEN SYNDROME; PHOSPHOMANNOMUTASE 2 DEFICIENCY; CARBOHYDRATE-DEFICIENT GLYCOPROTEIN SYNDROME, TYPE Ia; Congenital disorder of glycosylation, type Ia. Identifiers: Orphanet 79318, MedGen C0349653, MONDO:0008907, OMIM 212065.

Submission:

Natera, Inc.
Classification: Likely pathogenic for Congenital disorder of glycosylation type 1a. Last evaluated: 2026-01-27. Review status: criteria provided, single submitter. Criteria: Natera Variant Classification Schema (03/2026). Collection method: clinical testing. Allele origin: germline.
Comment: The c.155T>G variant in PMM2 is a missense variant predicted to cause substitution of valine to glycine at amino acid 52. This variant is rare in the general population with a frequency below the threshold expected for the associated phenotype(s). This variant has been observed in one or more individuals affected with the associated recessive disease, as either homozygous or compound heterozygous with a second variant (PMID: 33407696). A different variant at the same position has been determined to be Pathogenic or Likely Pathogenic. Computational prediction algorithms indicate this variant is likely to affect gene or protein function. Given the available evidence, this variant is classified as Likely Pathogenic.

Literature cited by the submitters: PubMed 33407696.

NM_000303.3(PMM2):c.155T>G (p.Val52Gly)

Gene: PMM2 (phosphomannomutase 2; plus strand). Cytogenetic location: 16p13.2.
Variant type: single nucleotide variant.
Coding change: c.155T>G on transcript NM_000303.3 (MANE Select); coding-DNA position 155, T replaced by G.
Protein change: p.Val52Gly; replaces valine 52 with glycine.
Molecular consequence: missense variant.
Genome position (GRCh38, 1-based): chr16:8,801,887, T>G. VCF-style: chr16-8801887-T-G. GRCh37 (hg19) VCF-style: chr16-8895744-T-G.
Other names: short protein forms V52G.
Identifiers: ClinVar variation 4818139 (VCV004818139.1).